The following is an entry in ClinVar:

NM_001999.4(FBN2):c.81C>T (p.Ala27=)

Gene: FBN2 (fibrillin 2; minus strand). Cytogenetic location: 5q23.3.
Variant type: single nucleotide variant.
Coding change: c.81C>T on transcript NM_001999.4 (MANE Select); coding-DNA position 81, C replaced by T.
Protein change: p.Ala27=; no amino-acid change (alanine 27 retained).
Molecular consequence: synonymous variant.
Genome position (GRCh38, 1-based): chr5:128,537,523, G>A on the plus strand (C>T on the coding strand, the complement: FBN2 is on the minus strand). VCF-style: chr5-128537523-G-A. GRCh37 (hg19) VCF-style: chr5-127873216-G-A.
Identifiers: ClinVar variation 213219 (VCV000213219.11), dbSNP rs746484599, ClinGen allele CA319917.
Genomic context (GRCh38, chr5:128,537,523, plus strand): 5'-AACCTGTTGCGGCGGCGGCTGGGGCCGGGGCGGCTTGGGCGGAGGAGGCTGAGGCTGGCC[G>A]GCCGTGCCCTGCGCCCAGAGCACCACACAGCCCAGCCACAGGAAGTAGAGCTGGAGACAC-3'
Protein context (NP_001990.2, residues 17-37): GCVVLWAQGT[Ala27=]GQPQPPPPKP

ClinVar aggregate classification (germline): Benign/Likely benign. Review status: criteria provided, multiple submitters, no conflicts (2 of 4 stars). 4 submissions from 4 submitters: Benign (1); Likely benign (3). Last evaluated 2026-04-09.

Conditions:
FBN2-related disorder. Also called: FBN2-related condition.
Familial thoracic aortic aneurysm and aortic dissection (TAAD). Also called: Thoracic aortic aneurysms and dissections. Identifiers: Orphanet 91387, MedGen C4707243, MONDO:0019625.
Congenital contractural arachnodactyly (CCA). Also called: BEALS SYNDROME; Beals-Hecht syndrome; Arthrogryposis, distal, type 9. Identifiers: Orphanet 115, MedGen C0220668, MONDO:0007363, OMIM 121050.

Allele frequency attached by ClinVar (database versions not stated): gnomAD 0.00003; ExAC 0.00004.
gnomAD v4.1: 22 of 1,578,744 alleles (0.0014%); highest among the groups gnomAD compares: Non-Finnish European, 0.0018%; no homozygotes.

Submissions (4):

PreventionGenetics, part of Exact Sciences
Classification: Likely benign for FBN2-related condition. Last evaluated: 2026-04-09. Review status: criteria provided, single submitter. Criteria: ACMG Guidelines, 2015. Collection method: clinical testing. Allele origin: germline.
Comment: This variant is classified as likely benign based on ACMG/AMP sequence variant interpretation guidelines (Richards et al. 2015 PMID: 25741868, with internal and published modifications).

Labcorp Genetics (formerly Invitae), Labcorp
Classification: Likely benign for Congenital contractural arachnodactyly. Last evaluated: 2025-11-19. Review status: criteria provided, single submitter. Criteria: Invitae Variant Classification Sherloc (09022015). Collection method: clinical testing. Allele origin: germline.

Ambry Genetics
Classification: Likely benign for Familial thoracic aortic aneurysm and aortic dissection. Last evaluated: 2024-02-18. Review status: criteria provided, single submitter. Criteria: Ambry Variant Classification Scheme 2023. Collection method: clinical testing. Allele origin: germline.

GeneDx
Classification: Benign. Last evaluated: 2015-07-15. Review status: criteria provided, single submitter. Criteria: GeneDx Variant Classification (06012015). Collection method: clinical testing. Allele origin: germline. Affected: yes.
Comment: This variant is considered likely benign or benign based on one or more of the following criteria: it is a conservative change, it occurs at a poorly conserved position in the protein, it is predicted to be benign by multiple in silico algorithms, and/or has population frequency not consistent with disease.